The following is an entry in ClinVar:

NM_032043.3(BRIP1):c.2380-2A>G

Gene: BRIP1 (BRCA1 interacting DNA helicase 1; minus strand). Cytogenetic location: 17q23.2.
Variant type: single nucleotide variant.
Coding change: c.2380-2A>G on transcript NM_032043.3 (MANE Select); the canonical splice acceptor site of the intron before coding-DNA position 2380, A replaced by G.
Molecular consequence: splice acceptor variant.
Genome position (GRCh38, 1-based): chr17:61,716,065, T>C on the plus strand (A>G on the coding strand, the complement: BRIP1 is on the minus strand). VCF-style: chr17-61716065-T-C. GRCh37 (hg19) VCF-style: chr17-59793426-T-C.
Identifiers: ClinVar variation 4876145 (VCV004876145.1).

ClinVar aggregate classification (germline): Likely pathogenic (1 of 4 stars; one submission).

Conditions:
Familial ovarian cancer. Identifiers: MedGen C5679802, MONDO:0016248.

Submission:

Myriad Genetics, Inc.
Classification: Likely pathogenic for Familial ovarian cancer. Last evaluated: 2026-05-12. Review status: criteria provided, single submitter. Criteria: Myriad Autosomal Dominant, Autosomal Recessive and X-Linked Classification Criteria (2023). Collection method: clinical testing. Allele origin: unknown.
Comment: This variant is considered likely pathogenic. This variant occurs within a consensus splice junction and is predicted to result in abnormal mRNA splicing of either an out-of-frame exon or an in-frame exon necessary for protein stability and/or normal function.